The following is an entry in ClinVar:

ClinVar aggregate classification (germline): Uncertain significance (1 of 4 stars; one submission).

Submission:

Women's Health and Genetics/Laboratory Corporation of America, LabCorp
Classification: Uncertain significance. Last evaluated: 2023-11-02. Review status: criteria provided, single submitter. Criteria: LabCorp Variant Classification Summary - May 2015. Collection method: clinical testing. Allele origin: germline.
Comment: Variant summary: The variant identified by MLPA or other technology involves the duplication of exon 5 in the CFTR gene. A presumed nomenclature of c.(489+1_490-1)_(579+1_580-1)dup has been designated for the purposes of this classification. It is assumed to be a tandem duplication in direct orientation (Richardson_GIM_2018, Newman_AJHG_2015). This Copy Number Variant (CNV) is predicted to result in an in-frame duplication within this gene. The variant was absent in 21694 control chromosomes. The available data on variant occurrences in the general population are insufficient to allow any conclusion about variant significance. To our knowledge, no occurrence of c.(489+1_490-1)_(579+1_580-1)dup in individuals affected with Cystic Fibrosis and no experimental evidence demonstrating its impact on protein function have been reported. No submitters have cited clinical-significance assessments for this variant to ClinVar after 2014. Based on the evidence outlined above, the variant was classified as uncertain significance.

NC_000007.13:g.(117171169_117174329)_(117174420_117175301)dup

Gene: CFTR (CF transmembrane conductance regulator; plus strand). Cytogenetic location: 7q31.2.
Variant type: Duplication.
Identifiers: ClinVar variation 2682484 (VCV002682484.1).